The following is an entry in ClinVar:

NM_000722.4(CACNA2D1):c.2728C>A (p.Pro910Thr)

Gene: CACNA2D1 (calcium voltage-gated channel auxiliary subunit alpha2delta 1; minus strand). Cytogenetic location: 7q21.11.
Variant type: single nucleotide variant.
Coding change: c.2728C>A on transcript NM_000722.4 (MANE Select); coding-DNA position 2728, C replaced by A.
Protein change: p.Pro910Thr; replaces proline 910 with threonine.
Molecular consequence: missense variant.
Genome position (GRCh38, 1-based): chr7:81,964,108, G>T on the plus strand (C>A on the coding strand, the complement: CACNA2D1 is on the minus strand). VCF-style: chr7-81964108-G-T. GRCh37 (hg19) VCF-style: chr7-81593424-G-T.
Other names: c.2764C>A, p.Pro922Thr (NM_001366867.1); short protein forms P922T, P910T.
Identifiers: ClinVar variation 1795252 (VCV001795252.2), dbSNP rs1794451842, ClinGen allele CA367884370.

ClinVar aggregate classification (germline): Uncertain significance (1 of 4 stars; one submission).

Conditions:
Cardiovascular phenotype. Identifiers: MedGen CN230736.

Submission:

Ambry Genetics
Classification: Uncertain significance for Cardiovascular phenotype. Last evaluated: 2022-05-20. Review status: criteria provided, single submitter. Criteria: Ambry Variant Classification Scheme 2023. Collection method: clinical testing. Allele origin: germline.
Comment: The p.P910T variant (also known as c.2728C>A) is located in coding exon 34 of the CACNA2D1 gene. The proline at codon 910 is replaced by threonine, an amino acid with highly similar properties. This change occurs in the first base pair of coding exon 34. This amino acid position is conserved. In addition, this alteration is predicted to be deleterious by in silico analysis. Since supporting evidence is limited at this time, the clinical significance of this alteration remains unclear.